The following is an entry in ClinVar:

NM_000466.3(PEX1):c.2845C>T (p.Arg949Trp)

Genes: GATAD1 (GATA zinc finger domain containing 1; plus strand), PEX1 (peroxisomal biogenesis factor 1; minus strand). Cytogenetic location: 7q21.2.
Variant type: single nucleotide variant.
Coding change: c.2845C>T on transcript NM_000466.3 (MANE Select); coding-DNA position 2845, C replaced by T.
Protein change: p.Arg949Trp; replaces arginine 949 with tryptophan.
Molecular consequence: missense variant.
Genome position (GRCh38, 1-based): chr7:92,494,568, G>A on the plus strand (C>T on the coding strand, the complement: PEX1 is on the minus strand). VCF-style: chr7-92494568-G-A. GRCh37 (hg19) VCF-style: chr7-92123882-G-A.
Other names: c.2674C>T, p.Arg892Trp (NM_001282677.2); c.2221C>T, p.Arg741Trp (NM_001282678.2); short protein forms R949W, R741W, R892W.
Identifiers: ClinVar variation 580960 (VCV000580960.23), dbSNP rs866184460, ClinGen allele CA161955790.

ClinVar aggregate classification (germline): Conflicting classifications of pathogenicity. Review status: criteria provided, conflicting classifications (1 of 4 stars). 6 submissions from 6 submitters: Pathogenic (1); Likely pathogenic (4); Uncertain significance (1). Last evaluated 2026-01-14.

Conditions:
Peroxisome biogenesis disorder 1A (Zellweger) (PBD1A). Also called: Peroxisome biogenesis disorder 1a; Zellweger leukodystrophy. Identifiers: MedGen C4721541, MONDO:0008953, OMIM 214100.
Zellweger spectrum disorders (ZS). Also called: Zellweger Spectrum Disorder; Zellweger Spectrum; Zellweger syndrome; Zellweger Spectrum Disorder (ZSD). Identifiers: Orphanet 912, MedGen C0043459, MONDO:0019609.
Heimler syndrome 1 (HMLR1). Also called: PEROXISOME BIOGENESIS DISORDER 1C. Identifiers: Orphanet 3220, MedGen C4551980, OMIM 234580, MONDO:0024544.
Peroxisome biogenesis disorder. Identifiers: Orphanet 79189, MedGen C1832200, MONDO:0019234. Disease mechanism: loss of function.
Peroxisome biogenesis disorder 1B (PBD1B). Also called: PEROXISOME BIOGENESIS DISORDER (NALD/IRD); ADRENOLEUKODYSTROPHY, AUTOSOMAL NEONATAL; Refsum disease, infantile form; Infantile Refsum disease; Infantile form of phytanic acid storage disease; PEROXISOME BIOGENESIS DISORDER (NEONATAL ADRENOLEUKODYSTROPHY/INFANTILE REFSUM DISEASE). Identifiers: Orphanet 44, MedGen C0282527, MONDO:0011101, OMIM 601539.

Allele frequency attached by ClinVar (database versions not stated): TOPMed below 0.00001; gnomAD 0.00001.
gnomAD v4.1: 3 of 1,613,674 alleles (0.00019%); highest among the groups gnomAD compares: Non-Finnish European, 0.00025%; no homozygotes.

Submissions (6):

Myriad Genetics, Inc.
Classification: Uncertain significance for Peroxisome biogenesis disorder. Last evaluated: 2026-01-14. Review status: criteria provided, single submitter. Criteria: Myriad Autosomal Dominant, Autosomal Recessive and X-Linked Classification Criteria (2023). Collection method: clinical testing. Allele origin: unknown.
Comment: NM_000466.2(PEX1):c.2845C>T(R949W) is a missense variant classified as a variant of uncertain significance in the context of peroxisome biogenesis disorder type 1. R949W has been observed in cases with relevant disease (PMID: 21844578, 33955040, 21031596, 30793331). Relevant functional assessments of this variant are not available in the literature. R949W has not been observed in referenced population frequency databases. In summary, there is insufficient evidence to classify NM_000466.2(PEX1):c.2845C>T(R949W) as pathogenic or benign. Please note: this variant was assessed in the context of healthy population screening.

Labcorp Genetics (formerly Invitae), Labcorp
Classification: Pathogenic for Zellweger spectrum disorders. Last evaluated: 2025-12-22. Review status: criteria provided, single submitter. Criteria: Invitae Variant Classification Sherloc (09022015). Collection method: clinical testing. Allele origin: germline.
Comment: This sequence change replaces arginine, which is basic and polar, with tryptophan, which is neutral and slightly polar, at codon 949 of the PEX1 protein (p.Arg949Trp). This variant is not present in population databases (gnomAD no frequency). This missense change has been observed in individual(s) with Zellweger syndrome (PMID: 21031596, 21844578, 33955040). In at least one individual the data is consistent with being in trans (on the opposite chromosome) from a pathogenic variant. ClinVar contains an entry for this variant (Variation ID: 580960). Invitae Evidence Modeling of protein sequence and biophysical properties (such as structural, functional, and spatial information, amino acid conservation, physicochemical variation, residue mobility, and thermodynamic stability) indicates that this missense variant is expected to disrupt PEX1 protein function with a positive predictive value of 95%. This variant disrupts the p.Arg949 amino acid residue in PEX1. Other variant(s) that disrupt this residue have been observed in individuals with PEX1-related conditions (PMID: 11389485), which suggests that this may be a clinically significant amino acid residue. For these reasons, this variant has been classified as Pathogenic.

Natera, Inc.
Classification: Likely pathogenic for Zellweger syndrome. Last evaluated: 2025-02-10. Review status: criteria provided, single submitter. Criteria: Natera Variant Classification Schema (03/2026). Collection method: clinical testing. Allele origin: germline.
Comment: The c.2845C>T variant in PEX1 is a missense variant predicted to cause substitution of arginine to tryptophan at amino acid 949. This variant is rare in the general population with a frequency below the threshold expected for the associated phenotype(s). This variant has been observed in one or more individuals affected with the associated recessive disease, as either homozygous or compound heterozygous with a second variant (PMID: 21844578, 33955040). Computational prediction algorithms indicate this variant is likely to affect gene or protein function. Given the available evidence, this variant is classified as Likely Pathogenic.

Baylor Genetics
Classification: Likely pathogenic for Heimler syndrome 1. Last evaluated: 2024-02-14. Review status: criteria provided, single submitter. Criteria: ACMG Guidelines, 2015. Collection method: clinical testing. Allele origin: unknown.

Genome-Nilou Lab
Classification: Likely pathogenic for Peroxisome biogenesis disorder 1A (Zellweger). Last evaluated: 2021-07-22. Review status: criteria provided, single submitter. Criteria: ACMG Guidelines, 2015. Collection method: clinical testing. Allele origin: germline. Affected: no.

Juno Genomics, Hangzhou Juno Genomics, Inc
Classification: Likely pathogenic for Heimler syndrome 1; Peroxisome biogenesis disorder 1A (Zellweger); Peroxisome biogenesis disorder 1B. Review status: criteria provided, single submitter. Criteria: ACMG Guidelines, 2015. Collection method: clinical testing. Allele origin: germline. Affected: yes.
Comment: For recessive disorders, detected in trans with a pathogenic variant.;Patient's phenotype or family history is highly specific for a disease with a single genetic etiology.;Absent from controls (or at extremely low frequency if recessive) in Genome Aggregation Database, Exome Sequencing Project, 1000 Genomes Project, or Exome Aggregation Consortium.;Multiple lines of computational evidence support a deleterious effect on the gene or gene product (conservation, evolutionary, splicing impact, etc).

Literature cited by the submitters: PubMed 21031596 (cited by Myriad Genetics, Inc. and Labcorp Genetics (formerly Invitae), Labcorp); PubMed 21844578 (cited by 3 submitters); PubMed 30793331 (cited by Myriad Genetics, Inc.); PubMed 33955040 (cited by 3 submitters); PubMed 11389485 (cited by Labcorp Genetics (formerly Invitae), Labcorp).